The following is an entry in ClinVar:

NM_003265.3(TLR3):c.1546A>G (p.Asn516Asp)

Gene: TLR3 (toll like receptor 3; plus strand). Cytogenetic location: 4q35.1.
Variant type: single nucleotide variant.
Coding change: c.1546A>G on transcript NM_003265.3 (MANE Select); coding-DNA position 1546, A replaced by G.
Protein change: p.Asn516Asp; replaces asparagine 516 with aspartic acid.
Molecular consequence: missense variant.
Genome position (GRCh38, 1-based): chr4:186,083,232, A>G. VCF-style: chr4-186083232-A-G. GRCh37 (hg19) VCF-style: chr4-187004386-A-G.
Other names: c.1546A>G (NM_003265.2); short protein forms N516D.
Identifiers: ClinVar variation 1053533 (VCV001053533.10), dbSNP rs778686045, ClinGen allele CA3161432.

ClinVar aggregate classification (germline): Uncertain significance. Review status: criteria provided, multiple submitters, no conflicts (2 of 4 stars). 2 submissions from 2 submitters: Uncertain significance (2). Last evaluated 2023-12-18.

Conditions:
Encephalopathy, acute, infection-induced (herpes-specific), susceptibility to, 1. Also called: Herpes simplex encephalitis, susceptibility to, 1. Identifiers: Orphanet 1930, MedGen C2750180, MONDO:0024563, OMIM 610551.

Allele frequency attached by ClinVar (database versions not stated): gnomAD exomes below 0.00001 and 0.00002; gnomAD 0.00005 and 0.00006; ExAC 0.00002; TOPMed 0.00006.

Submissions (2):

Labcorp Genetics (formerly Invitae), Labcorp
Classification: Uncertain significance for Encephalopathy, acute, infection-induced (herpes-specific), susceptibility to, 1. Last evaluated: 2023-12-18. Review status: criteria provided, single submitter. Criteria: Invitae Variant Classification Sherloc (09022015). Collection method: clinical testing. Allele origin: germline.
Comment: This sequence change replaces asparagine, which is neutral and polar, with aspartic acid, which is acidic and polar, at codon 516 of the TLR3 protein (p.Asn516Asp). This variant is present in population databases (rs778686045, gnomAD 0.02%). This variant has not been reported in the literature in individuals affected with TLR3-related conditions. ClinVar contains an entry for this variant (Variation ID: 1053533). An algorithm developed to predict the effect of missense changes on protein structure and function (PolyPhen-2) suggests that this variant is likely to be disruptive. In summary, the available evidence is currently insufficient to determine the role of this variant in disease. Therefore, it has been classified as a Variant of Uncertain Significance.

Ambry Genetics
Classification: Uncertain significance. Last evaluated: 2023-12-14. Review status: criteria provided, single submitter. Criteria: Ambry Variant Classification Scheme 2023. Collection method: clinical testing. Allele origin: germline.